The following is an entry in ClinVar:

NM_000256.3(MYBPC3):c.407-7C>A

Gene: MYBPC3 (myosin binding protein C3; minus strand). Cytogenetic location: 11p11.2.
Variant type: single nucleotide variant.
Coding change: c.407-7C>A on transcript NM_000256.3 (MANE Select); 7 bases into the intron before coding-DNA position 407, C replaced by A.
Molecular consequence: intron variant.
Genome position (GRCh38, 1-based): chr11:47,350,119, G>T on the plus strand (C>A on the coding strand, the complement: MYBPC3 is on the minus strand). VCF-style: chr11-47350119-G-T. GRCh37 (hg19) VCF-style: chr11-47371670-G-T.
Identifiers: ClinVar variation 923308 (VCV000923308.9), dbSNP rs1595849981, ClinGen allele CA913203430.

ClinVar aggregate classification (germline): Uncertain significance. Review status: criteria provided, multiple submitters, no conflicts (2 of 4 stars). 3 submissions from 3 submitters: Uncertain significance (3). Last evaluated 2023-11-02.

Conditions:
Cardiomyopathy (CMYO). Also called: Cardiomyopathies. Identifiers: Orphanet 167848, MedGen C0878544, MONDO:0004994, HP:0001638. Inheritance: Various modes of inheritance.
Hypertrophic cardiomyopathy. Also called: HYPERTROPHIC MYOCARDIOPATHY. Identifiers: Orphanet 217569, MedGen C0007194, MeSH D002312, MONDO:0005045, HP:0001639.

Submissions (3):

All of Us Research Program, National Institutes of Health
Classification: Uncertain significance for Hypertrophic cardiomyopathy. Last evaluated: 2023-11-02. Review status: criteria provided, single submitter. Criteria: ACMG Guidelines, 2015. Collection method: clinical testing. Allele origin: germline. Inheritance: Autosomal dominant inheritance. Observed: 1 variant allele, 1 heterozygote.
Comment: This variant is located in the intron 3 splice acceptor region of the MYBPC3 gene. Computational splicing tools and conservation analyses are inconclusive regarding the impact of this variant on RNA splicing. To our knowledge, functional RNA studies have not been reported for this variant. This variant has been reported in two individuals affected with hypertrophic cardiomyopathy but shown to be not segregating with disease in one of the proband's family (PMID: 23233322). This variant has not been identified in the general population by the Genome Aggregation Database (gnomAD). Available evidence is insufficient to determine the role of this variant in disease conclusively. Therefore, this variant is classified as a Variant of Uncertain Significance.

This study involves interpretation of variants in research participants for the purpose of population health screening. Participant phenotype was not available at the time of variant classification. Additional details can be found in publication PMID: 35346344, PMCID: PMC8962531

Color Diagnostics, LLC DBA Color Health
Classification: Uncertain significance for Cardiomyopathy. Last evaluated: 2022-12-02. Review status: criteria provided, single submitter. Criteria: ACMG Guidelines, 2015. Collection method: clinical testing. Allele origin: germline.
Comment: This variant is located in the intron 3 splice acceptor region of the MYBPC3 gene. Computational splicing tools and conservation analyses are inconclusive regarding the impact of this variant on RNA splicing. To our knowledge, functional RNA studies have not been reported for this variant. This variant has been reported in two individuals affected with hypertrophic cardiomyopathy but shown to be not segregating with disease in one of the proband's family (PMID: 23233322). This variant has not been identified in the general population by the Genome Aggregation Database (gnomAD). Available evidence is insufficient to determine the role of this variant in disease conclusively. Therefore, this variant is classified as a Variant of Uncertain Significance.

Labcorp Genetics (formerly Invitae), Labcorp
Classification: Uncertain significance for Hypertrophic cardiomyopathy. Last evaluated: 2022-01-03. Review status: criteria provided, single submitter. Criteria: Invitae Variant Classification Sherloc (09022015). Collection method: clinical testing. Allele origin: germline.
Comment: This variant has been observed in individuals with hypertrophic cardiomyopathy (PMID: 23233322). In summary, the available evidence is currently insufficient to determine the role of this variant in disease. Therefore, it has been classified as a Variant of Uncertain Significance. Algorithms developed to predict the effect of sequence changes on RNA splicing suggest that this variant may disrupt the consensus splice site. ClinVar contains an entry for this variant (Variation ID: 923308). This variant is not present in population databases (gnomAD no frequency). This sequence change falls in intron 3 of the MYBPC3 gene. It does not directly change the encoded amino acid sequence of the MYBPC3 protein.

Literature cited by the submitters: PubMed 23233322 (cited by 3 submitters).